The following is an entry in ClinVar:

ClinVar aggregate classification (germline): Likely benign (1 of 4 stars; one submission).

gnomAD v4.1: 3 of 1,612,906 alleles (0.00019%); highest among the groups gnomAD compares: South Asian, 0.0011%; no homozygotes.

Submission:

CeGaT Center for Human Genetics Tuebingen
Classification: Likely benign. Last evaluated: 2025-02-01. Review status: criteria provided, single submitter. Criteria: CeGaT Center For Human Genetics Tuebingen Variant Classification Criteria Version 2. Collection method: clinical testing. Allele origin: germline. Affected: yes. Observed: 1 variant allele.
Comment: POLR2E: BP4, BP7

NM_002695.5(POLR2E):c.504C>T (p.Asn168=)

Gene: POLR2E (RNA polymerase II, I and III subunit E; minus strand). Cytogenetic location: 19p13.3.
Variant type: single nucleotide variant.
Coding change: c.504C>T on transcript NM_002695.5 (MANE Select); coding-DNA position 504, C replaced by T.
Protein change: p.Asn168=; no amino-acid change (asparagine 168 retained).
Molecular consequence: synonymous variant.
Genome position (GRCh38, 1-based): chr19:1,089,947, G>A on the plus strand (C>T on the coding strand, the complement: POLR2E is on the minus strand). VCF-style: chr19-1089947-G-A. GRCh37 (hg19) VCF-style: chr19-1089946-G-A.
Other names: c.225C>T, p.Asn75= (NM_001316323.2, NM_001316324.2).
Identifiers: ClinVar variation 3771939 (VCV003771939.13).